The following is an entry in ClinVar:

ClinVar aggregate classification (germline): Benign/Likely benign. Review status: criteria provided, multiple submitters, no conflicts (2 of 4 stars). 2 submissions from 2 submitters: Benign (1); Likely benign (1). Last evaluated 2025-07-02.

Conditions:
CHARGE syndrome (CHARGE). Also called: CHARGE ASSOCIATION--COLOBOMA, HEART ANOMALY, CHOANAL ATRESIA, RETARDATION, GENITAL AND EAR ANOMALIES; Coloboma, heart anomaly, choanal atresia, retardation, genital and ear anomalies; CHARGE association; Hall-Hittner syndrome; Hittner Hirsch Kreh syndrome. Identifiers: Orphanet 138, MedGen C0265354, MONDO:0008965.

Allele frequency attached by ClinVar (database versions not stated): gnomAD 0.00001; gnomAD exomes 0.00001 and 0.00003; TOPMed 0.00002; ExAC 0.00003; ESP Exome Variant Server 0.00008.
gnomAD v4.1: 10 of 1,613,506 alleles (0.00062%); highest among the groups gnomAD compares: Admixed American, 0.013%; no homozygotes.

Submissions (2):

Labcorp Genetics (formerly Invitae), Labcorp
Classification: Benign for CHARGE syndrome. Last evaluated: 2025-07-02. Review status: criteria provided, single submitter. Criteria: Invitae Variant Classification Sherloc (09022015). Collection method: clinical testing. Allele origin: germline.

GeneDx
Classification: Likely benign. Last evaluated: 2020-09-17. Review status: criteria provided, single submitter. Criteria: GeneDx Variant Classification Process June 2021. Collection method: clinical testing. Allele origin: germline. Affected: yes.
Comment: In silico analysis, which includes protein predictors and evolutionary conservation, supports that this variant does not alter protein structure/function; Has not been previously published as pathogenic or benign to our knowledge

NM_017780.4(CHD7):c.3001A>G (p.Ile1001Val)

Gene: CHD7 (chromodomain helicase DNA binding protein 7; plus strand). Cytogenetic location: 8q12.2.
Variant type: single nucleotide variant.
Coding change: c.3001A>G on transcript NM_017780.4 (MANE Select); coding-DNA position 3001, A replaced by G.
Protein change: p.Ile1001Val; replaces isoleucine 1001 with valine.
Molecular consequence: missense variant. On other transcripts: intron variant (1).
Genome position (GRCh38, 1-based): chr8:60,822,546, A>G. VCF-style: chr8-60822546-A-G. GRCh37 (hg19) VCF-style: chr8-61735105-A-G.
Other names: c.1717-39683A>G (NM_001316690.1); short protein forms I1001V.
Identifiers: ClinVar variation 857740 (VCV000857740.9), dbSNP rs375374626, ClinGen allele CA4759877.